The following is an entry in ClinVar:

ClinVar aggregate classification (germline): Uncertain significance (1 of 4 stars; one submission).

Conditions:
Carney complex, type 1 (CNC1). Also called: CARNEY MYXOMA-ENDOCRINE COMPLEX; CARNEY COMPLEX, TYPE I. Identifiers: Orphanet 1359, MedGen C2607929, MONDO:0008057, OMIM 160980.

Allele frequency attached by ClinVar (database versions not stated): TOPMed below 0.00001.

Submission:

Labcorp Genetics (formerly Invitae), Labcorp
Classification: Uncertain significance for Carney complex, type 1. Last evaluated: 2021-11-17. Review status: criteria provided, single submitter. Criteria: Invitae Variant Classification Sherloc (09022015). Collection method: clinical testing. Allele origin: germline.
Comment: This sequence change falls in intron 1 of the PRKAR1A gene. It does not directly change the encoded amino acid sequence of the PRKAR1A protein. It affects a nucleotide within the consensus splice site. This variant is not present in population databases (gnomAD no frequency). This variant has not been reported in the literature in individuals affected with PRKAR1A-related conditions. Variants that disrupt the consensus splice site are a relatively common cause of aberrant splicing (PMID: 17576681, 9536098). Algorithms developed to predict the effect of sequence changes on RNA splicing suggest that this variant may disrupt the consensus splice site. In summary, the available evidence is currently insufficient to determine the role of this variant in disease. Therefore, it has been classified as a Variant of Uncertain Significance.

Literature cited by the submitters: PubMed 17576681; PubMed 9536098.

NM_002734.5(PRKAR1A):c.-7+5G>A

Gene: PRKAR1A (protein kinase cAMP-dependent type I regulatory subunit alpha; plus strand). Cytogenetic location: 17q24.2.
Variant type: single nucleotide variant.
Coding change: c.-7+5G>A on transcript NM_002734.5 (MANE Select); 5 bases into the intron after 7 bases upstream of the start codon, G replaced by A.
Molecular consequence: intron variant. On other transcripts: 5 prime UTR variant (1).
Genome position (GRCh38, 1-based): chr17:68,512,553, G>A. VCF-style: chr17-68512553-G-A. GRCh37 (hg19) VCF-style: chr17-66508694-G-A.
Other names: c.-33G>A (NM_212472.2); c.-6-2841G>A (NM_001278433.2); c.-140+411G>A (NM_001369389.1); c.-7+411G>A (NM_212471.3); c.-140+5G>A (NM_001276289.2).
Identifiers: ClinVar variation 1913549 (VCV001913549.5), dbSNP rs2085291765, ClinGen allele CA2272250413.